The following is an entry in ClinVar:

ClinVar aggregate classification (germline): Uncertain significance. Review status: criteria provided, multiple submitters, no conflicts (2 of 4 stars). 2 submissions from 2 submitters: Uncertain significance (2). Last evaluated 2026-05-04.

Conditions:
Paediatric disorders.

gnomAD v4.1: 2 of 1,611,232 alleles (0.00012%); highest among the groups gnomAD compares: East Asian, 0.0045%; no homozygotes.

Submissions (2):

North West Genomic Laboratory Hub, Manchester University NHS Foundation Trust
Classification: Uncertain significance for Paediatric disorders. Last evaluated: 2026-05-04. Review status: criteria provided, single submitter. Criteria: ACGS Best Practice Guidelines for Variant Classification in Rare Disease 2024. Collection method: clinical testing. Allele origin: germline. Affected: yes.
Comment: PP2_Supp BP4_Supp

GeneDx
Classification: Uncertain significance. Last evaluated: 2025-03-11. Review status: criteria provided, single submitter. Criteria: GeneDx Variant Classification Process June 2021. Collection method: clinical testing. Allele origin: germline. Affected: yes.
Comment: Not observed at significant frequency in large population cohorts (gnomAD); In silico analysis indicates that this missense variant does not alter protein structure/function; Has not been previously published as pathogenic or benign to our knowledge; This variant is associated with the following publications: (PMID: 33826902)

NM_001170629.2(CHD8):c.5072G>A (p.Cys1691Tyr)

Gene: CHD8 (chromodomain helicase DNA binding protein 8; minus strand). Cytogenetic location: 14q11.2.
Variant type: single nucleotide variant.
Coding change: c.5072G>A on transcript NM_001170629.2 (MANE Select); coding-DNA position 5072, G replaced by A.
Protein change: p.Cys1691Tyr; replaces cysteine 1691 with tyrosine.
Molecular consequence: missense variant.
Genome position (GRCh38, 1-based): chr14:21,395,872, C>T on the plus strand (G>A on the coding strand, the complement: CHD8 is on the minus strand). VCF-style: chr14-21395872-C-T. GRCh37 (hg19) VCF-style: chr14-21864031-C-T.
Other names: c.4235G>A, p.Cys1412Tyr (NM_020920.4); short protein forms C1412Y, C1691Y.
Identifiers: ClinVar variation 4083302 (VCV004083302.2).